The following is an entry in ClinVar:

ClinVar aggregate classification (germline): Likely benign (1 of 4 stars; one submission).

Submission:

Molecular Diagnostic Laboratory for Inherited Cardiovascular Disease, Montreal Heart Institute
Classification: Likely benign. Last evaluated: 2026-03-27. Review status: criteria provided, single submitter. Criteria: ACMG Guidelines, 2015. Collection method: clinical testing. Allele origin: germline. Affected: no.
Comment: BP1

NM_001267550.2(TTN):c.13495G>A (p.Ala4499Thr)

Gene: TTN (titin; minus strand). Cytogenetic location: 2q31.2.
Variant type: single nucleotide variant.
Coding change: c.13495G>A on transcript NM_001267550.2 (MANE Select); coding-DNA position 13495, G replaced by A.
Protein change: p.Ala4499Thr; replaces alanine 4499 with threonine.
Molecular consequence: missense variant. On other transcripts: intron variant (1).
Genome position (GRCh38, 1-based): chr2:178,739,738, C>T on the plus strand (G>A on the coding strand, the complement: TTN is on the minus strand). VCF-style: chr2-178739738-C-T. GRCh37 (hg19) VCF-style: chr2-179604465-C-T.
Other names: c.12544G>A, p.Ala4182Thr (NM_001256850.1); c.12406G>A, p.Ala4136Thr (NM_003319.4); c.12781G>A, p.Ala4261Thr (NM_133432.3); c.12982G>A, p.Ala4328Thr (NM_133437.4); c.10361-1378G>A (NM_133378.4); short protein forms A4136T, A4182T, A4261T, A4328T, A4499T.
Identifiers: ClinVar variation 4820392 (VCV004820392.1), dbSNP rs754816206.